The following is an entry in ClinVar:

ClinVar aggregate classification (germline): Uncertain significance. Review status: criteria provided, multiple submitters, no conflicts (2 of 4 stars). 3 submissions from 3 submitters: Uncertain significance (3). Last evaluated 2024-04-17.

Conditions:
Inborn genetic diseases. Identifiers: MedGen C0950123, MeSH D030342.
Autosomal recessive distal spinal muscular atrophy 1. Also called: HMN VI; NEURONOPATHY, SEVERE INFANTILE AXONAL, WITH RESPIRATORY FAILURE; SEVERE INFANTILE AXONAL NEUROPATHY WITH RESPIRATORY FAILURE; SPINAL MUSCULAR ATROPHY, DIAPHRAGMATIC; Spinal muscular atrophy with respiratory distress 1; NEURONOPATHY, DISTAL HEREDITARY MOTOR, HARDING TYPE VI. Identifiers: Orphanet 98920, MedGen C1858517, MONDO:0011436, OMIM 604320.
Charcot-Marie-Tooth disease axonal type 2S. Also called: CHARCOT-MARIE-TOOTH NEUROPATHY, TYPE 2S; CHARCOT-MARIE-TOOTH DISEASE, AXONAL, AUTOSOMAL RECESSIVE, TYPE 2S. Identifiers: Orphanet 443073, MedGen C4015349, MONDO:0014511, OMIM 616155.
Charcot-Marie-Tooth disease. Also called: Charcot-Marie-Tooth Hereditary Neuropathy; Charcot-Marie-Tooth Neuropathy. Identifiers: Orphanet 166, MedGen C0007959, MONDO:0015626.

Allele frequency attached by ClinVar (database versions not stated): ExAC 0.00001; TOPMed 0.00001; gnomAD exomes 0.00002; ESP Exome Variant Server 0.00015.
gnomAD v4.1: 30 of 1,611,506 alleles (0.0019%); highest among the groups gnomAD compares: Non-Finnish European, 0.0025%; no homozygotes.

Submissions (3):

Ambry Genetics
Classification: Uncertain significance for Inborn genetic diseases. Last evaluated: 2024-04-17. Review status: criteria provided, single submitter. Criteria: Ambry Variant Classification Scheme 2023. Collection method: clinical testing. Allele origin: germline.

Labcorp Genetics (formerly Invitae), Labcorp
Classification: Uncertain significance for Autosomal recessive distal spinal muscular atrophy 1; Charcot-Marie-Tooth disease axonal type 2S. Last evaluated: 2021-08-31. Review status: criteria provided, single submitter. Criteria: Invitae Variant Classification Sherloc (09022015). Collection method: clinical testing. Allele origin: germline.
Comment: This sequence change replaces arginine with proline at codon 919 of the IGHMBP2 protein (p.Arg919Pro). The arginine residue is moderately conserved and there is a moderate physicochemical difference between arginine and proline. This variant is present in population databases (rs148605058, ExAC 0.002%). This variant has not been reported in the literature in individuals affected with IGHMBP2-related conditions. Algorithms developed to predict the effect of missense changes on protein structure and function are either unavailable or do not agree on the potential impact of this missense change (SIFT: "Deleterious"; PolyPhen-2: "Probably Damaging"; Align-GVGD: "Class C0"). In summary, the available evidence is currently insufficient to determine the role of this variant in disease. Therefore, it has been classified as a Variant of Uncertain Significance.

Molecular Genetics Laboratory, London Health Sciences Centre
Classification: Uncertain significance for Charcot-Marie-Tooth disease. Review status: criteria provided, single submitter. Criteria: ACMG Guidelines, 2015. Collection method: clinical testing. Allele origin: germline. Affected: yes.

NM_002180.3(IGHMBP2):c.2756G>C (p.Arg919Pro)

Gene: IGHMBP2 (immunoglobulin mu DNA binding protein 2; plus strand). Cytogenetic location: 11q13.3.
Variant type: single nucleotide variant.
Coding change: c.2756G>C on transcript NM_002180.3 (MANE Select); coding-DNA position 2756, G replaced by C.
Protein change: p.Arg919Pro; replaces arginine 919 with proline.
Molecular consequence: missense variant.
Genome position (GRCh38, 1-based): chr11:68,938,326, G>C. VCF-style: chr11-68938326-G-C. GRCh37 (hg19) VCF-style: chr11-68705794-G-C.
Other names: short protein forms R919P.
Identifiers: ClinVar variation 858781 (VCV000858781.10), dbSNP rs148605058, ClinGen allele CA6153998.